The following is an entry in ClinVar:

ClinVar aggregate classification (germline): Uncertain significance (1 of 4 stars; one submission).

Conditions:
Hereditary pancreatitis (PCTT). Also called: Hereditary chronic pancreatitis; PRSS1-Related Hereditary Pancreatitis. Identifiers: Orphanet 676, MedGen C0238339, MONDO:0008185, OMIM 167800.

Submission:

Ambry Genetics
Classification: Uncertain significance for Hereditary pancreatitis. Last evaluated: 2026-05-14. Review status: criteria provided, single submitter. Criteria: Ambry Variant Classification Scheme 2023. Collection method: clinical testing. Allele origin: germline.
Comment: The p.D194G variant (also known as c.581A>G), located in coding exon 4 of the PRSS1 gene, results from an A to G substitution at nucleotide position 581. The aspartic acid at codon 194 is replaced by glycine, an amino acid with similar properties. This amino acid position is conserved. In addition, this alteration is predicted to be deleterious by in silico analysis. Based on the available evidence, the clinical significance of this variant remains unclear.

NM_002769.5(PRSS1):c.581A>G (p.Asp194Gly)

Genes: PRSS1 (serine protease 1; plus strand), TRB (T cell receptor beta locus; plus strand). Cytogenetic location: 7q34.
Variant type: single nucleotide variant.
Coding change: c.581A>G on transcript NM_002769.5 (MANE Select); coding-DNA position 581, A replaced by G.
Protein change: p.Asp194Gly; replaces aspartic acid 194 with glycine.
Molecular consequence: missense variant. On other transcripts: non-coding transcript variant (5).
Genome position (GRCh38, 1-based): chr7:142,752,557, A>G. VCF-style: chr7-142752557-A-G. GRCh37 (hg19) VCF-style: chr7-142460408-A-G.
Other names: short protein forms D194G.
Identifiers: ClinVar variation 4862594 (VCV004862594.1).